The following is an entry in ClinVar:

NM_024642.5(GALNT12):c.1281G>A (p.Trp427Ter)

Gene: GALNT12 (polypeptide N-acetylgalactosaminyltransferase 12; plus strand). Cytogenetic location: 9q22.33.
Variant type: single nucleotide variant.
Coding change: c.1281G>A on transcript NM_024642.5 (MANE Select); coding-DNA position 1281, G replaced by A.
Protein change: p.Trp427Ter; replaces tryptophan 427 with a stop codon.
Molecular consequence: nonsense.
Genome position (GRCh38, 1-based): chr9:98,840,070, G>A. VCF-style: chr9-98840070-G-A. GRCh37 (hg19) VCF-style: chr9-101602352-G-A.
Other names: short protein forms W427*.
Identifiers: ClinVar variation 3227910 (VCV003227910.4), dbSNP rs2490541717, ClinGen allele CA374221027.

ClinVar aggregate classification (germline): Uncertain significance. Review status: criteria provided, multiple submitters, no conflicts (2 of 4 stars). 3 submissions from 3 submitters: Uncertain significance (3). Last evaluated 2025-06-18.

Submissions (3):

Dasa
Classification: Uncertain significance. Last evaluated: 2025-06-18. Review status: criteria provided, single submitter. Criteria: DASA Assertion Criteria. Collection method: clinical testing. Allele origin: germline.
Comment: NM_024642.5(GALNT12):c.1281G>A (p.Trp427*) is a nonsense variant in GALNT12 predicted to introduce a premature termination codon. This variant is absent from population databases. The currently available literature and clinical evidence are not sufficient to establish a definitive association between this variant and the reported condition. Therefore, this variant is classified as a variant of uncertain significance.

Blueprint Genetics
Classification: Uncertain significance. Last evaluated: 2024-01-29. Review status: criteria provided, single submitter. Criteria: ACMG Guidelines, 2015. Collection method: clinical testing. Allele origin: germline.

Ambry Genetics
Classification: Uncertain significance. Last evaluated: 2023-11-16. Review status: criteria provided, single submitter. Criteria: Ambry Variant Classification Scheme 2023. Collection method: clinical testing. Allele origin: germline.
Comment: The p.W427* variant (also known as c.1281G>A), located in coding exon 7 of the GALNT12 gene, results from a G to A substitution at nucleotide position 1281. This changes the amino acid from a tryptophan to a stop codon within coding exon 7. This alteration is expected to result in loss of function by premature protein truncation or nonsense-mediated mRNA decay. The evidence for this gene-disease relationship is limited; therefore, the clinical significance of this alteration is unclear.